The following is an entry in ClinVar:

NM_001042492.3(NF1):c.5648C>G (p.Thr1883Ser)

Gene: NF1 (neurofibromin 1; plus strand). Cytogenetic location: 17q11.2.
Variant type: single nucleotide variant.
Coding change: c.5648C>G on transcript NM_001042492.3 (MANE Select); coding-DNA position 5648, C replaced by G.
Protein change: p.Thr1883Ser; replaces threonine 1883 with serine.
Molecular consequence: missense variant.
Genome position (GRCh38, 1-based): chr17:31,330,334, C>G. VCF-style: chr17-31330334-C-G. GRCh37 (hg19) VCF-style: chr17-29657352-C-G.
Other names: c.5585C>G, p.Thr1862Ser (NM_000267.4); short protein forms T1862S, T1883S.
Identifiers: ClinVar variation 4800784 (VCV004800784.1).

ClinVar aggregate classification (germline): Uncertain significance (1 of 4 stars; one submission).

Conditions:
Neurofibromatosis, type 1 (NF1). Also called: VON RECKLINGHAUSEN DISEASE; Neurofibromatosis, type I; NEUROFIBROMATOSIS, TYPE I, SOMATIC; Peripheral type neurofibromatosis. Identifiers: Orphanet 636, MedGen C0027831, MONDO:0018975, OMIM 162200. Disease mechanism: loss of function.

Submission:

Labcorp Genetics (formerly Invitae), Labcorp
Classification: Uncertain significance for Neurofibromatosis, type 1. Last evaluated: 2025-03-27. Review status: criteria provided, single submitter. Criteria: Invitae Variant Classification Sherloc (09022015). Collection method: clinical testing. Allele origin: germline.
Comment: This sequence change replaces threonine, which is neutral and polar, with serine, which is neutral and polar, at codon 1862 of the NF1 protein (p.Thr1862Ser). This variant is not present in population databases (gnomAD no frequency). This variant has not been reported in the literature in individuals affected with NF1-related conditions. Invitae Evidence Modeling of protein sequence and biophysical properties (such as structural, functional, and spatial information, amino acid conservation, physicochemical variation, residue mobility, and thermodynamic stability) indicates that this missense variant is expected to disrupt NF1 protein function with a positive predictive value of 95%. In summary, the available evidence is currently insufficient to determine the role of this variant in disease. Therefore, it has been classified as a Variant of Uncertain Significance.